The following is an entry in ClinVar:

NM_018979.4(WNK1):c.2459C>G (p.Ser820Cys)

Gene: WNK1 (WNK lysine deficient protein kinase 1; plus strand). Cytogenetic location: 12p13.33.
Variant type: single nucleotide variant.
Coding change: c.2459C>G on transcript NM_018979.4 (MANE Select); coding-DNA position 2459, C replaced by G.
Protein change: p.Ser820Cys; replaces serine 820 with cysteine.
Molecular consequence: missense variant. On other transcripts: intron variant (3).
Genome position (GRCh38, 1-based): chr12:879,658, C>G. VCF-style: chr12-879658-C-G. GRCh37 (hg19) VCF-style: chr12-988824-C-G.
Other names: c.3867+1297C>G (NM_213655.5); c.3613-1063C>G (NM_001184985.2); c.2370+1297C>G (NM_014823.3); short protein forms S820C.
Identifiers: ClinVar variation 772288 (VCV000772288.20), dbSNP rs74056058, ClinGen allele CA6382485.

ClinVar aggregate classification (germline): Conflicting classifications of pathogenicity. Review status: criteria provided, conflicting classifications (1 of 4 stars). 3 submissions from 3 submitters: Uncertain significance (1); Likely benign (2). Last evaluated 2025-04-24.

Conditions:
WNK1-related disorder. Also called: WNK1-related condition.
Pseudohypoaldosteronism type 2C (PHA2C). Also called: Pseudohypoaldosteronism Type IIC. Identifiers: Orphanet 757, Orphanet 88940, MedGen C1840391, MONDO:0013778, OMIM 614492.
Neuropathy, hereditary sensory and autonomic, type 2A (HSAN2A). Also called: HSAN IIA; MORVAN DISEASE; NEUROPATHY, CONGENITAL SENSORY; NEUROPATHY, HEREDITARY SENSORY RADICULAR, AUTOSOMAL RECESSIVE; NEUROPATHY, HEREDITARY SENSORY, TYPE IIA; NEUROPATHY, PROGRESSIVE SENSORY, OF CHILDREN. Identifiers: Orphanet 970, MedGen C2752089, MONDO:0024309, OMIM 201300.

Allele frequency attached by ClinVar (database versions not stated): gnomAD exomes 0.00008 and 0.00020; ExAC 0.00026; gnomAD 0.00069 and 0.00074; TOPMed 0.00085; ESP Exome Variant Server 0.00138; 1000 Genomes Project 0.00160; 1000 Genomes Project 30x 0.00172.
gnomAD v4.1: 223 of 1,613,700 alleles (0.014%); highest among the groups gnomAD compares: African/African-American, 0.26%; no homozygotes.

Submissions (3):

PreventionGenetics, part of Exact Sciences
Classification: Likely benign for WNK1-related condition. Last evaluated: 2025-04-24. Review status: criteria provided, single submitter. Criteria: ACMG Guidelines, 2015. Collection method: clinical testing. Allele origin: germline.
Comment: This variant is classified as likely benign based on ACMG/AMP sequence variant interpretation guidelines (Richards et al. 2015 PMID: 25741868, with internal and published modifications).

Labcorp Genetics (formerly Invitae), Labcorp
Classification: Likely benign for Neuropathy, hereditary sensory and autonomic, type 2A; Pseudohypoaldosteronism type 2C. Last evaluated: 2022-10-17. Review status: criteria provided, single submitter. Criteria: Invitae Variant Classification Sherloc (09022015). Collection method: clinical testing. Allele origin: germline.

ARUP Laboratories, Molecular Genetics and Genomics, ARUP Laboratories
Classification: Uncertain significance. Last evaluated: 2020-02-14. Review status: criteria provided, single submitter. Criteria: ARUP Molecular Germline Variant Investigation Process. Collection method: clinical testing. Allele origin: germline.
Comment: The WNK1 c.2459C>G; p.Ser820Cys variant (rs74056058), to our knowledge, is not reported in the medical literature or gene-specific databases. This variant is found in the African population with an overall allele frequency of 0.30% (74/24926 alleles) in the Genome Aggregation Database. The serine at codon 820 is highly conserved, but computational analyses (SIFT: tolerated, PolyPhen-2: damaging) predict conflicting effects of this variant on protein structure/function. Given the lack of clinical and functional data, the significance of the p.Ser820Cys variant is uncertain at this time.